The following is an entry in ClinVar:

NM_001352027.3(PHF21A):c.1882G>A (p.Gly628Ser)

Gene: PHF21A (PHD finger protein 21A; minus strand). Cytogenetic location: 11p11.2.
Variant type: single nucleotide variant.
Coding change: c.1882G>A on transcript NM_001352027.3 (MANE Select); coding-DNA position 1882, G replaced by A.
Protein change: p.Gly628Ser; replaces glycine 628 with serine.
Molecular consequence: missense variant. On other transcripts: non-coding transcript variant (2).
Genome position (GRCh38, 1-based): chr11:45,934,132, C>T on the plus strand (G>A on the coding strand, the complement: PHF21A is on the minus strand). VCF-style: chr11-45934132-C-T. GRCh37 (hg19) VCF-style: chr11-45955683-C-T.
Other names: c.1741G>A, p.Gly581Ser (NM_001352028.1, NM_001352029.1, NM_016621.5); c.1738G>A, p.Gly580Ser (NM_001352030.3, NM_001352031.3, NM_001352032.3); c.1879G>A (NM_001101802.1); c.1879G>A, p.Gly627Ser (NM_001101802.3); c.1882G>A, p.Gly628Ser (NM_001352025.3, NM_001352026.3); short protein forms G580S, G581S, G627S, G628S.
Identifiers: ClinVar variation 1341719 (VCV001341719.8), dbSNP rs376981110, ClinGen allele CA5960939.

ClinVar aggregate classification (germline): Uncertain significance. Review status: criteria provided, multiple submitters, no conflicts (2 of 4 stars). 3 submissions from 3 submitters: Uncertain significance (3). Last evaluated 2025-05-20.

Conditions:
Intellectual developmental disorder with behavioral abnormalities and craniofacial dysmorphism with or without seizures. Identifiers: MedGen C5231476, MONDO:0032883, OMIM 618725.
Inborn genetic diseases. Identifiers: MedGen C0950123, MeSH D030342.

Allele frequency attached by ClinVar (database versions not stated): ExAC 0.00001; gnomAD exomes 0.00001 and 0.00002; gnomAD 0.00002; TOPMed 0.00002; ESP Exome Variant Server 0.00008.
gnomAD v4.1: 36 of 1,614,024 alleles (0.0022%); highest among the groups gnomAD compares: Admixed American, 0.0033%; no homozygotes.

Submissions (3):

Ambry Genetics
Classification: Uncertain significance for Inborn genetic diseases. Last evaluated: 2025-05-20. Review status: criteria provided, single submitter. Criteria: Ambry Variant Classification Scheme 2023. Collection method: clinical testing. Allele origin: germline.

Labcorp Genetics (formerly Invitae), Labcorp
Classification: Uncertain significance. Last evaluated: 2024-04-24. Review status: criteria provided, single submitter. Criteria: Invitae Variant Classification Sherloc (09022015). Collection method: clinical testing. Allele origin: germline.
Comment: This sequence change replaces glycine, which is neutral and non-polar, with serine, which is neutral and polar, at codon 627 of the PHF21A protein (p.Gly627Ser). This variant is present in population databases (rs376981110, gnomAD 0.003%). This variant has not been reported in the literature in individuals affected with PHF21A-related conditions. ClinVar contains an entry for this variant (Variation ID: 1341719). Advanced modeling of protein sequence and biophysical properties (such as structural, functional, and spatial information, amino acid conservation, physicochemical variation, residue mobility, and thermodynamic stability) performed at Invitae indicates that this missense variant is not expected to disrupt PHF21A protein function with a negative predictive value of 80%. In summary, the available evidence is currently insufficient to determine the role of this variant in disease. Therefore, it has been classified as a Variant of Uncertain Significance.

New York Genome Center
Classification: Uncertain significance for Intellectual developmental disorder with behavioral abnormalities and craniofacial dysmorphism with or without seizures. Last evaluated: 2020-06-12. Review status: criteria provided, single submitter. Criteria: NYGC Assertion Criteria 2020. Collection method: clinical testing. Allele origin: germline. Observed: 1 heterozygote. Study: CSER-NYCKidSeq.